The following is an entry in ClinVar:

ClinVar aggregate classification (germline): Uncertain significance (1 of 4 stars; one submission).

Submission:

Labcorp Genetics (formerly Invitae), Labcorp
Classification: Uncertain significance. Last evaluated: 2023-12-17. Review status: criteria provided, single submitter. Criteria: Invitae Variant Classification Sherloc (09022015). Collection method: clinical testing. Allele origin: germline.
Comment: This sequence change replaces isoleucine, which is neutral and non-polar, with valine, which is neutral and non-polar, at codon 683 of the AP3D1 protein (p.Ile683Val). This variant is not present in population databases (gnomAD no frequency). This variant has not been reported in the literature in individuals affected with AP3D1-related conditions. An algorithm developed to predict the effect of missense changes on protein structure and function (PolyPhen-2) suggests that this variant is likely to be tolerated. In summary, the available evidence is currently insufficient to determine the role of this variant in disease. Therefore, it has been classified as a Variant of Uncertain Significance.

NM_001261826.3(AP3D1):c.2047A>G (p.Ile683Val)

Gene: AP3D1 (adaptor related protein complex 3 subunit delta 1; minus strand). Cytogenetic location: 19p13.3.
Variant type: single nucleotide variant.
Coding change: c.2047A>G on transcript NM_001261826.3 (MANE Select); coding-DNA position 2047, A replaced by G.
Protein change: p.Ile683Val; replaces isoleucine 683 with valine.
Molecular consequence: missense variant.
Genome position (GRCh38, 1-based): chr19:2,116,233, T>C on the plus strand (A>G on the coding strand, the complement: AP3D1 is on the minus strand). VCF-style: chr19-2116233-T-C. GRCh37 (hg19) VCF-style: chr19-2116232-T-C.
Other names: c.2047A>G, p.Ile683Val (NM_001374799.1, NM_003938.8); short protein forms I683V.
Identifiers: ClinVar variation 2961747 (VCV002961747.3), dbSNP rs2512155930, ClinGen allele CA403215703.
Genomic context (GRCh38, chr19:2,116,233, plus strand): 5'-TGCTGAGGGACAGGCACCCGGGGACGGGCCTCACCTTCTGTGGCGATGGCGAGCTCTTGA[T>C]GTAGAAGGGGTTGTTGGCCTGCTCCTGCTTCCGGGCCTCTCGGCGCTGTGGGACACAGCT-3'
Protein context (NP_001248755.1, residues 673-693): KQEQANNPFY[Ile683Val]KSSPSPQKRY